The following is an entry in ClinVar:

NM_172364.5(CACNA2D4):c.2254G>T (p.Glu752Ter)

Gene: CACNA2D4 (calcium voltage-gated channel auxiliary subunit alpha2delta 4; minus strand). Cytogenetic location: 12p13.33.
Variant type: single nucleotide variant.
Coding change: c.2254G>T on transcript NM_172364.5 (MANE Select); coding-DNA position 2254, G replaced by T.
Protein change: p.Glu752Ter; replaces glutamic acid 752 with a stop codon.
Molecular consequence: nonsense.
Genome position (GRCh38, 1-based): chr12:1,846,682, C>A on the plus strand (G>T on the coding strand, the complement: CACNA2D4 is on the minus strand). VCF-style: chr12-1846682-C-A. GRCh37 (hg19) VCF-style: chr12-1955848-C-A.
Other names: short protein forms E752*.
Identifiers: ClinVar variation 3639104 (VCV003639104.2).

ClinVar aggregate classification (germline): Uncertain significance (1 of 4 stars; one submission).

Submission:

Labcorp Genetics (formerly Invitae), Labcorp
Classification: Uncertain significance. Last evaluated: 2024-02-06. Review status: criteria provided, single submitter. Criteria: Invitae Variant Classification Sherloc (09022015). Collection method: clinical testing. Allele origin: germline.
Comment: This sequence change creates a premature translational stop signal (p.Glu752*) in the CACNA2D4 gene. It is expected to result in an absent or disrupted protein product. However, the current clinical and genetic evidence is not sufficient to establish whether loss-of-function variants in CACNA2D4 cause disease. This variant is not present in population databases (gnomAD no frequency). This variant has not been reported in the literature in individuals affected with CACNA2D4-related conditions. In summary, the available evidence is currently insufficient to determine the role of this variant in disease. Therefore, it has been classified as a Variant of Uncertain Significance.